The following is an entry in ClinVar:

ClinVar aggregate classification (germline): Uncertain significance (1 of 4 stars; one submission).

Conditions:
Charcot-Marie-Tooth disease dominant intermediate F. Identifiers: Orphanet 352670, MedGen C4749463, MONDO:0014074, OMIM 615185.

Submission:

Labcorp Genetics (formerly Invitae), Labcorp
Classification: Uncertain significance for Charcot-Marie-Tooth disease, dominant intermediate F. Last evaluated: 2018-05-08. Review status: criteria provided, single submitter. Criteria: Invitae Variant Classification Sherloc (09022015). Collection method: clinical testing. Allele origin: germline.
Comment: A gross duplication of the genomic region encompassing the full coding sequence of the GNB4 gene has been identified. The boundaries of this event are unknown as the duplication extends beyond the assayed region for this gene and therefore may encompass additional genes. As the precise location of this duplication is unknown, it may be in tandem or it may be located elsewhere in the genome. This duplication has not been reported in the literature in individuals affected with GNB4-related disease. In summary, the available evidence is currently insufficient to determine the role of this variant in disease. Therefore, it has been classified as a Variant of Uncertain Significance.

NC_000003.11:g.(?_179118981)_(179144008_?)dup

Gene: GNB4 (G protein subunit beta 4; minus strand). Cytogenetic location: 3q26.33.
Variant type: Duplication.
Identifiers: ClinVar variation 473890 (VCV000473890.1).